The following is an entry in ClinVar:

ClinVar aggregate classification (germline): Likely benign. Review status: criteria provided, multiple submitters, no conflicts (2 of 4 stars). 3 submissions from 3 submitters: Likely benign (3). Last evaluated 2025-11-19.

Allele frequency attached by ClinVar (database versions not stated): TOPMed 0.00016.

Submissions (3):

Labcorp Genetics (formerly Invitae), Labcorp
Classification: Likely benign. Last evaluated: 2025-11-19. Review status: criteria provided, single submitter. Criteria: Invitae Variant Classification Sherloc (09022015). Collection method: clinical testing. Allele origin: germline.

Mayo Clinic Laboratories, Mayo Clinic
Classification: Likely benign. Last evaluated: 2025-09-23. Review status: criteria provided, single submitter. Criteria: ACMG Guidelines, 2015. Collection method: clinical testing. Allele origin: germline. Observed: 1 variant allele.
Comment: BP4, BP7

Blueprint Genetics
Classification: Likely benign. Last evaluated: 2024-03-24. Review status: criteria provided, single submitter. Criteria: ACMG Guidelines, 2015. Collection method: clinical testing. Allele origin: germline.

NM_001375.3(DNASE2):c.1017G>A (p.Pro339=)

Gene: DNASE2 (deoxyribonuclease 2, lysosomal; minus strand). Cytogenetic location: 19p13.13.
Variant type: single nucleotide variant.
Coding change: c.1017G>A on transcript NM_001375.3 (MANE Select); coding-DNA position 1017, G replaced by A.
Protein change: p.Pro339=; no amino-acid change (proline 339 retained).
Molecular consequence: synonymous variant.
Genome position (GRCh38, 1-based): chr19:12,876,056, C>T on the plus strand (G>A on the coding strand, the complement: DNASE2 is on the minus strand). VCF-style: chr19-12876056-C-T. GRCh37 (hg19) VCF-style: chr19-12986870-C-T.
Other names: p.Pro339=.
Identifiers: ClinVar variation 1585475 (VCV001585475.10), dbSNP rs201271441, ClinGen allele CA9233649.